The following is an entry in ClinVar:

NM_015374.3(SUN2):c.8G>A (p.Arg3Gln)

Gene: SUN2 (Sad1 and UNC84 domain containing 2; minus strand). Cytogenetic location: 22q13.1.
Variant type: single nucleotide variant.
Coding change: c.8G>A on transcript NM_015374.3 (MANE Select); coding-DNA position 8, G replaced by A.
Protein change: p.Arg3Gln; replaces arginine 3 with glutamine.
Molecular consequence: missense variant.
Genome position (GRCh38, 1-based): chr22:38,752,621, C>T on the plus strand (G>A on the coding strand, the complement: SUN2 is on the minus strand). VCF-style: chr22-38752621-C-T. GRCh37 (hg19) VCF-style: chr22-39148626-C-T.
Other names: c.8G>A, p.Arg3Gln (NM_001199579.2, NM_001199580.2); short protein forms R3Q.
Identifiers: ClinVar variation 840963 (VCV000840963.10), dbSNP rs764750687, ClinGen allele CA10236137.

ClinVar aggregate classification (germline): Uncertain significance. Review status: criteria provided, multiple submitters, no conflicts (2 of 4 stars). 2 submissions from 2 submitters: Uncertain significance (2). Last evaluated 2024-11-24.

Conditions:
Emery-Dreifuss muscular dystrophy (EDMD). Also called: Scapuloperoneal syndrome, X-linked (formerly); Humeroperoneal neuromuscular disease, (formerly). Identifiers: Orphanet 261, MedGen C0410189, MONDO:0016830.

Allele frequency attached by ClinVar (database versions not stated): gnomAD exomes 0.00002 and 0.00004; ExAC 0.00004; gnomAD 0.00005; TOPMed 0.00005.
gnomAD v4.1: 34 of 1,613,544 alleles (0.0021%); highest among the groups gnomAD compares: Admixed American, 0.0083%; no homozygotes.

Submissions (2):

Labcorp Genetics (formerly Invitae), Labcorp
Classification: Uncertain significance for Emery-Dreifuss muscular dystrophy. Last evaluated: 2024-11-24. Review status: criteria provided, single submitter. Criteria: Invitae Variant Classification Sherloc (09022015). Collection method: clinical testing. Allele origin: germline.
Comment: This sequence change replaces arginine, which is basic and polar, with glutamine, which is neutral and polar, at codon 3 of the SUN2 protein (p.Arg3Gln). This variant is present in population databases (rs764750687, gnomAD 0.009%). This variant has not been reported in the literature in individuals affected with SUN2-related conditions. ClinVar contains an entry for this variant (Variation ID: 840963). An algorithm developed to predict the effect of missense changes on protein structure and function (PolyPhen-2) suggests that this variant is likely to be disruptive. In summary, the available evidence is currently insufficient to determine the role of this variant in disease. Therefore, it has been classified as a Variant of Uncertain Significance.

Ambry Genetics
Classification: Uncertain significance. Last evaluated: 2024-05-21. Review status: criteria provided, single submitter. Criteria: Ambry Variant Classification Scheme 2023. Collection method: clinical testing. Allele origin: germline.